The following is an entry in ClinVar:

ClinVar aggregate classification (germline): Likely pathogenic (1 of 4 stars; one submission).

Submission:

GeneDx
Classification: Likely pathogenic. Last evaluated: 2024-09-24. Review status: criteria provided, single submitter. Criteria: GeneDx Variant Classification Process June 2021. Collection method: clinical testing. Allele origin: germline. Affected: yes.
Comment: Frameshift variant predicted to result in protein truncation in a gene for which loss-of-function is a known mechanism of disease; Not observed at significant frequency in large population cohorts (gnomAD); Has not been previously published as pathogenic or benign to our knowledge

NM_006005.3(WFS1):c.2331dup (p.Thr778fs)

Gene: WFS1 (wolframin ER transmembrane glycoprotein; plus strand). Cytogenetic location: 4p16.1.
Variant type: Duplication.
Coding change: c.2331dup on transcript NM_006005.3 (MANE Select); coding-DNA position 2331, one base duplicated (T; older notation c.2331dupT).
Protein change: p.Thr778fs; shifts the reading frame from threonine 778.
Molecular consequence: frameshift variant.
Genome position (GRCh38, 1-based): chr4:6,302,126, T duplicated; the last of 2 consecutive T bases (chr4:6,302,125-6,302,126); duplicating either gives the same sequence. VCF-style (leftmost placement, unchanged base first): chr4-6302124-A-AT. GRCh37 (hg19) VCF-style: chr4-6303851-A-AT.
Other names: c.2331dup, p.Thr778fs (NM_001145853.1); short protein forms T778fs.
Identifiers: ClinVar variation 1328594 (VCV001328594.4), dbSNP rs2109127427, ClinGen allele CA2573052347.